The following is an entry in ClinVar:

NM_001009944.3(PKD1):c.1307_1308del (p.Cys436fs)

Gene: PKD1 (polycystin 1, transient receptor potential channel interacting; minus strand). Cytogenetic location: 16p13.3.
Variant type: Microsatellite.
Coding change: c.1307_1308del on transcript NM_001009944.3 (MANE Select); coding-DNA positions 1307 to 1308, 2 bases deleted (GT; older notation c.1307_1308delGT).
Protein change: p.Cys436fs; shifts the reading frame from cysteine 436.
Molecular consequence: frameshift variant.
Genome position (GRCh38, 1-based): chr16:2,117,566-2,117,567, AC deleted on the plus strand (GT on the coding strand, the reverse complement: PKD1 is on the minus strand); deleting any 2 consecutive bases within chr16:2,117,566-2,117,569 gives the same sequence; the c. name uses the placement nearest the transcript's 3' end. VCF-style (leftmost placement, unchanged base first): chr16-2117565-GAC-G. GRCh37 (hg19) VCF-style: chr16-2167566-GAC-G.
Other names: c.1307_1308del, p.Cys436fs (NM_000296.4); c.1307_1308delGT (NM_000296.3); short protein forms C436fs.
Identifiers: ClinVar variation 440100 (VCV000440100.9), dbSNP rs1555458891, ClinGen allele CA645509213.
Genomic context (GRCh38, chr16:2,117,565, plus strand): 5'-CCAGGAAGCGCTGCACGGCGGGACTGTCCACCATTGCCAGGGCGGCCCCGGCCCAGGCCT[GAC>G]ACTGCTCCTGCGCCTGCAGCCAGGCCGCCTTCTCCACCACCAGGCGGTAGCAGTGCCCGT-3'

ClinVar aggregate classification (germline): Pathogenic. Review status: criteria provided, multiple submitters, no conflicts (2 of 4 stars). 2 submissions from 2 submitters: Pathogenic (2). Last evaluated 2021-08-05.

Submissions (2):

Athena Diagnostics
Classification: Pathogenic. Last evaluated: 2021-08-05. Review status: criteria provided, single submitter. Criteria: Athena Diagnostics Criteria. Collection method: clinical testing. Allele origin: unknown.
Comment: This variant is expected to result in the loss of a functional protein. This variant has been identified in at least one individual with clinical features associated with this gene. This variant has not been reported in large, multi-ethnic general populations.

ARUP Laboratories, Molecular Genetics and Genomics, ARUP Laboratories
Classification: Pathogenic. Last evaluated: 2016-11-21. Review status: criteria provided, single submitter. Criteria: ARUP Molecular Germline Variant Investigation Process. Collection method: clinical testing. Allele origin: germline.

Literature cited by the submitters: PubMed 21115670 (cited by Athena Diagnostics).